The following is an entry in ClinVar:

ClinVar aggregate classification (germline): Uncertain significance (1 of 4 stars; one submission).

Conditions:
Hereditary cancer-predisposing syndrome. Also called: Hereditary Cancer Syndrome; Hereditary neoplastic syndrome; Neoplastic Syndromes, Hereditary; Tumor predisposition. Identifiers: Orphanet 140162, MedGen C0027672, MeSH D009386, MONDO:0015356.

Submission:

Ambry Genetics
Classification: Uncertain significance for Hereditary cancer-predisposing syndrome. Last evaluated: 2017-10-07. Review status: criteria provided, single submitter. Criteria: Ambry Variant Classification Scheme 2023. Collection method: clinical testing. Allele origin: germline.
Comment: The p.D401Y variant (also known as c.1201G>T), located in coding exon 4 of the MSH6 gene, results from a G to T substitution at nucleotide position 1201. The aspartic acid at codon 401 is replaced by tyrosine, an amino acid with highly dissimilar properties. This amino acid position is well conserved in available vertebrate species. In addition, this alteration is predicted to be deleterious by in silico analysis. In addition, the CoDP in silico tool predicts this alteration to have a minor impact on molecular function, with a score of 0.121 (Terui H et al. J. Biomed. Sci. 2013 Apr;20:25). Since supporting evidence is limited at this time, the clinical significance of this alteration remains unclear.

NM_000179.3(MSH6):c.1201G>T (p.Asp401Tyr)

Gene: MSH6 (mutS homolog 6; plus strand). Cytogenetic location: 2p16.3.
Variant type: single nucleotide variant.
Coding change: c.1201G>T on transcript NM_000179.3 (MANE Select); coding-DNA position 1201, G replaced by T.
Protein change: p.Asp401Tyr; replaces aspartic acid 401 with tyrosine.
Molecular consequence: missense variant.
Genome position (GRCh38, 1-based): chr2:47,799,184, G>T. VCF-style: chr2-47799184-G-T. GRCh37 (hg19) VCF-style: chr2-48026323-G-T.
Other names: c.811G>T, p.Asp271Tyr (NM_001281492.2); c.295G>T, p.Asp99Tyr (NM_001281493.2, NM_001281494.2, NM_001406811.1 and 6 more transcripts); c.1297G>T, p.Asp433Tyr (NM_001406795.1, NM_001406802.1); c.1201G>T, p.Asp401Tyr (NM_001406796.1, NM_001406798.1, NM_001406800.1 and 4 more transcripts); c.904G>T, p.Asp302Tyr (NM_001406797.1, NM_001406801.1, NM_001406805.1 and 10 more transcripts); c.676G>T, p.Asp226Tyr (NM_001406799.1, NM_001406806.1, NM_001406807.1); c.1123G>T, p.Asp375Tyr (NM_001406804.1); c.1207G>T, p.Asp403Tyr (NM_001406813.1); and 1 more; short protein forms D226Y, D271Y, D302Y, D99Y, D401Y, D345Y, D375Y, D403Y.
Identifiers: ClinVar variation 1747728 (VCV001747728.2), dbSNP rs1669308138, ClinGen allele CA346743420.